The following is an entry in ClinVar:

NM_000238.4(KCNH2):c.690_691delinsTT (p.Glu230_Arg231delinsAspTrp)

Gene: KCNH2 (potassium voltage-gated channel subfamily H member 2; minus strand). Cytogenetic location: 7q36.1.
Variant type: Indel.
Coding change: c.690_691delinsTT on transcript NM_000238.4 (MANE Select); coding-DNA positions 690 to 691, GC replaced by TT.
Protein change: p.Glu230_Arg231delinsAspTrp.
Molecular consequence: missense variant.
Genome position (GRCh38, 1-based): chr7:150,958,284-150,958,285, GC replaced by AA on the plus strand (GC replaced by TT on the coding strand, the reverse complement: KCNH2 is on the minus strand). VCF-style: chr7-150958284-GC-AA. GRCh37 (hg19) VCF-style: chr7-150655372-GC-AA.
Other names: c.690_691delGCinsTT, p.Glu230_Arg231delinsAspTrp (NM_000238.3, NM_172056.3); c.402_403delGCinsTT, p.Glu134_Arg135delinsAspTrp (NM_001406753.1, NM_001406756.1); c.513_514delGCinsTT, p.Glu171_Arg172delinsAspTrp (NM_001406755.1); c.390_391delGCinsTT, p.Glu130_Arg131delinsAspTrp (NM_001406757.1).
Identifiers: ClinVar variation 861550 (VCV000861550.10), dbSNP rs1801450645, ClinGen allele CA916080380.

ClinVar aggregate classification (germline): Uncertain significance (1 of 4 stars; one submission).

Conditions:
Long QT syndrome (LQTS). Identifiers: MedGen C0023976, MeSH D008133, MONDO:0002442. Disease mechanism: loss of function. Inheritance: Various modes of inheritance.

Submission:

Labcorp Genetics (formerly Invitae), Labcorp
Classification: Uncertain significance for Long QT syndrome. Last evaluated: 2022-12-26. Review status: criteria provided, single submitter. Criteria: Invitae Variant Classification Sherloc (09022015). Collection method: clinical testing. Allele origin: germline.
Comment: This variant has not been reported in the literature in individuals affected with KCNH2-related conditions. This variant, c.690_691delinsTT, is a complex sequence change that results in the deletion of 2 and insertion of 2 amino acid(s) in the KCNH2 protein (p.Glu230_Arg231delinsAspTrp). Information on the frequency of this variant in the gnomAD database is not available, as this variant may be reported differently in the database. ClinVar contains an entry for this variant (Variation ID: 861550). Experimental studies and prediction algorithms are not available or were not evaluated, and the functional significance of this variant is currently unknown. In summary, the available evidence is currently insufficient to determine the role of this variant in disease. Therefore, it has been classified as a Variant of Uncertain Significance.